The following is an entry in ClinVar:

NM_021620.4(PRDM13):c.301G>A (p.Val101Ile)

Gene: PRDM13 (PR/SET domain 13; plus strand). Cytogenetic location: 6q16.2.
Variant type: single nucleotide variant.
Coding change: c.301G>A on transcript NM_021620.4 (MANE Select); coding-DNA position 301, G replaced by A.
Protein change: p.Val101Ile; replaces valine 101 with isoleucine.
Molecular consequence: missense variant.
Genome position (GRCh38, 1-based): chr6:99,609,211, G>A. VCF-style: chr6-99609211-G-A. GRCh37 (hg19) VCF-style: chr6-100057087-G-A.
Other names: short protein forms V101I.
Identifiers: ClinVar variation 841792 (VCV000841792.11), dbSNP rs200669369, ClinGen allele CA3936169.

ClinVar aggregate classification (germline): Uncertain significance. Review status: criteria provided, multiple submitters, no conflicts (2 of 4 stars). 3 submissions from 3 submitters: Uncertain significance (3). Last evaluated 2025-10-06.

Conditions:
Inborn genetic diseases. Identifiers: MedGen C0950123, MeSH D030342.

Allele frequency attached by ClinVar (database versions not stated): gnomAD exomes 0.00002; ExAC 0.00003; gnomAD 0.00005 and 0.00007; TOPMed 0.00005; ESP Exome Variant Server 0.00008.
gnomAD v4.1: 27 of 1,613,456 alleles (0.0017%); highest among the groups gnomAD compares: African/African-American, 0.016%; no homozygotes.

Submissions (3):

Ambry Genetics
Classification: Uncertain significance for Inborn genetic diseases. Last evaluated: 2025-10-06. Review status: criteria provided, single submitter. Criteria: Ambry Variant Classification Scheme 2023. Collection method: clinical testing. Allele origin: germline.

Labcorp Genetics (formerly Invitae), Labcorp
Classification: Uncertain significance. Last evaluated: 2024-12-26. Review status: criteria provided, single submitter. Criteria: Invitae Variant Classification Sherloc (09022015). Collection method: clinical testing. Allele origin: germline.
Comment: This sequence change replaces valine, which is neutral and non-polar, with isoleucine, which is neutral and non-polar, at codon 101 of the PRDM13 protein (p.Val101Ile). This variant is present in population databases (rs200669369, gnomAD 0.01%). This variant has not been reported in the literature in individuals affected with PRDM13-related conditions. ClinVar contains an entry for this variant (Variation ID: 841792). An algorithm developed to predict the effect of missense changes on protein structure and function (PolyPhen-2) suggests that this variant is likely to be tolerated. In summary, the available evidence is currently insufficient to determine the role of this variant in disease. Therefore, it has been classified as a Variant of Uncertain Significance.

Breakthrough Genomics
Classification: Uncertain significance. Review status: criteria provided, single submitter. Criteria: ACMG Guidelines, 2015. Collection method: not provided. Allele origin: germline. Inheritance: Autosomal recessive inheritance. Affected: yes.